The following is an entry in ClinVar:

NM_000051.4(ATM):c.519G>A (p.Arg173=)

Gene: ATM (ATM serine/threonine kinase; plus strand). Cytogenetic location: 11q22.3.
Variant type: single nucleotide variant.
Coding change: c.519G>A on transcript NM_000051.4 (MANE Select); coding-DNA position 519, G replaced by A.
Protein change: p.Arg173=; no amino-acid change (arginine 173 retained).
Molecular consequence: synonymous variant.
Genome position (GRCh38, 1-based): chr11:108,243,975, G>A. VCF-style: chr11-108243975-G-A. GRCh37 (hg19) VCF-style: chr11-108114702-G-A.
Other names: c.519G>A, p.Arg173= (NM_001351834.2).
Identifiers: ClinVar variation 2126763 (VCV002126763.4), dbSNP rs587781391, ClinGen allele CA476671389.

ClinVar aggregate classification (germline): Uncertain significance (1 of 4 stars; one submission).

Conditions:
Ataxia-telangiectasia syndrome (AT). Also called: Cerebello-oculocutaneous telangiectasia; Immunodeficiency with ataxia telangiectasia; Ataxia-telangiectasia, complementation group D; Ataxia telangiectasia (A-T); ATAXIA-TELANGIECTASIA, COMPLEMENTATION GROUP A; ATAXIA-TELANGIECTASIA, FRESNO VARIANT. Identifiers: Orphanet 100, MedGen C0004135, MONDO:0008840, OMIM 208900.

Submission:

Labcorp Genetics (formerly Invitae), Labcorp
Classification: Uncertain significance for Ataxia-telangiectasia syndrome. Last evaluated: 2022-04-18. Review status: criteria provided, single submitter. Criteria: Invitae Variant Classification Sherloc (09022015). Collection method: clinical testing. Allele origin: germline.
Comment: In summary, the available evidence is currently insufficient to determine the role of this variant in disease. Therefore, it has been classified as a Variant of Uncertain Significance. Algorithms developed to predict the effect of sequence changes on RNA splicing suggest that this variant may disrupt the consensus splice site. This variant has not been reported in the literature in individuals affected with ATM-related conditions. This variant is not present in population databases (gnomAD no frequency). This sequence change affects codon 173 of the ATM mRNA. It is a 'silent' change, meaning that it does not change the encoded amino acid sequence of the ATM protein.